The following is an entry in ClinVar:

NM_000051.4(ATM):c.5178-14A>G

Gene: ATM (ATM serine/threonine kinase; plus strand). Cytogenetic location: 11q22.3.
Variant type: single nucleotide variant.
Coding change: c.5178-14A>G on transcript NM_000051.4 (MANE Select); 14 bases into the intron before coding-DNA position 5178, A replaced by G.
Molecular consequence: intron variant.
Genome position (GRCh38, 1-based): chr11:108,301,634, A>G. VCF-style: chr11-108301634-A-G. GRCh37 (hg19) VCF-style: chr11-108172361-A-G.
Other names: c.5178-14A>G (NM_001351834.2).
Identifiers: ClinVar variation 2151605 (VCV002151605.6), dbSNP rs2135911243, ClinGen allele CA2580083032.

ClinVar aggregate classification (germline): Uncertain significance. Review status: criteria provided, multiple submitters, no conflicts (2 of 4 stars). 2 submissions from 2 submitters: Uncertain significance (2). Last evaluated 2023-10-11.

Conditions:
Ataxia-telangiectasia syndrome (AT). Also called: Cerebello-oculocutaneous telangiectasia; Immunodeficiency with ataxia telangiectasia; LOUIS-BAR SYNDROME; ATAXIA-TELANGIECTASIA, FRESNO VARIANT; Ataxia-telangiectasia, complementation group D; AT, COMPLEMENTATION GROUP C. Identifiers: Orphanet 100, MedGen C0004135, MONDO:0008840, OMIM 208900.
Hereditary cancer-predisposing syndrome. Also called: Neoplastic Syndromes, Hereditary; Hereditary neoplastic syndrome; Hereditary Cancer Syndrome; Tumor predisposition. Identifiers: Orphanet 140162, MedGen C0027672, MeSH D009386, MONDO:0015356.

Allele frequency attached by ClinVar (database versions not stated): gnomAD exomes below 0.00001.
gnomAD v4.1: 1 of 1,613,402 alleles (0.000062%); highest among the groups gnomAD compares: Middle Eastern, 0.017%; no homozygotes.

Submissions (2):

Labcorp Genetics (formerly Invitae), Labcorp
Classification: Uncertain significance for Ataxia-telangiectasia syndrome. Last evaluated: 2023-10-11. Review status: criteria provided, single submitter. Criteria: Invitae Variant Classification Sherloc (09022015). Collection method: clinical testing. Allele origin: germline.
Comment: This sequence change falls in intron 34 of the ATM gene. It does not directly change the encoded amino acid sequence of the ATM protein. This variant is not present in population databases (gnomAD no frequency). This variant has not been reported in the literature in individuals affected with ATM-related conditions. ClinVar contains an entry for this variant (Variation ID: 2151605). Algorithms developed to predict the effect of sequence changes on RNA splicing suggest that this variant may disrupt the consensus splice site. In summary, the available evidence is currently insufficient to determine the role of this variant in disease. Therefore, it has been classified as a Variant of Uncertain Significance.

Color Diagnostics, LLC DBA Color Health
Classification: Uncertain significance for Hereditary cancer-predisposing syndrome. Last evaluated: 2023-02-16. Review status: criteria provided, single submitter. Criteria: ACMG Guidelines, 2015. Collection method: clinical testing. Allele origin: germline.
Comment: This variant causes an A to G nucleotide substitution at the -14 position of intron 34 of the ATM gene. To our knowledge, functional studies have not been reported for this variant. This variant has not been reported in individuals affected with ATM-related disorders in the literature. This variant has not been identified in the general population by the Genome Aggregation Database (gnomAD). The available evidence is insufficient to determine the role of this variant in disease conclusively. Therefore, this variant is classified as a Variant of Uncertain Significance.